The following is an entry in ClinVar:

ClinVar aggregate classification (germline): Conflicting classifications of pathogenicity. Review status: criteria provided, conflicting classifications (1 of 4 stars). 2 submissions from 2 submitters: Uncertain significance (1); Likely benign (1). Last evaluated 2025-07-09.

Conditions:
Cardiovascular phenotype. Identifiers: MedGen CN230736.
Alstrom syndrome (ALMS). Identifiers: Orphanet 64, MedGen C0268425, MONDO:0008763, OMIM 203800.

Allele frequency attached by ClinVar (database versions not stated): TOPMed below 0.00001.
gnomAD v4.1: 1 of 1,604,414 alleles (0.000062%); highest among the groups gnomAD compares: Non-Finnish European, 0.000085%; no homozygotes.

Submissions (2):

Ambry Genetics
Classification: Likely benign for Cardiovascular phenotype. Last evaluated: 2025-07-09. Review status: criteria provided, single submitter. Criteria: Ambry Variant Classification Scheme 2023. Collection method: clinical testing. Allele origin: germline.

Labcorp Genetics (formerly Invitae), Labcorp
Classification: Uncertain significance for Alstrom syndrome. Last evaluated: 2021-09-03. Review status: criteria provided, single submitter. Criteria: Invitae Variant Classification Sherloc (09022015). Collection method: clinical testing. Allele origin: germline.
Comment: This sequence change replaces isoleucine with valine at codon 725 of the ALMS1 protein (p.Ile725Val). The isoleucine residue is weakly conserved and there is a small physicochemical difference between isoleucine and valine. This variant is not present in population databases (ExAC no frequency). This variant has not been reported in the literature in individuals affected with ALMS1-related conditions. Experimental studies and prediction algorithms are not available or were not evaluated, and the functional significance of this variant is currently unknown. In summary, the available evidence is currently insufficient to determine the role of this variant in disease. Therefore, it has been classified as a Variant of Uncertain Significance.

NM_001378454.1(ALMS1):c.2170A>G (p.Ile724Val)

Gene: ALMS1 (ALMS1 centrosome and basal body associated protein; plus strand). Cytogenetic location: 2p13.1.
Variant type: single nucleotide variant.
Coding change: c.2170A>G on transcript NM_001378454.1 (MANE Select); coding-DNA position 2170, A replaced by G.
Protein change: p.Ile724Val; replaces isoleucine 724 with valine.
Molecular consequence: missense variant.
Genome position (GRCh38, 1-based): chr2:73,448,697, A>G. VCF-style: chr2-73448697-A-G. GRCh37 (hg19) VCF-style: chr2-73675824-A-G.
Other names: c.2173A>G, p.Ile725Val (NM_015120.4); short protein forms I724V, I725V.
Identifiers: ClinVar variation 1394233 (VCV001394233.4), dbSNP rs1671859518, ClinGen allele CA347267030.